The following is an entry in ClinVar:

NM_000540.3(RYR1):c.8348A>T (p.Glu2783Val)

Genes: RYR1 (ryanodine receptor 1; plus strand), LOC126862902 (BRD4-independent group 4 enhancer GRCh37_chr19:38995830-38997029; plus strand). Cytogenetic location: 19q13.2.
Variant type: single nucleotide variant.
Coding change: c.8348A>T on transcript NM_000540.3 (MANE Select); coding-DNA position 8348, A replaced by T.
Protein change: p.Glu2783Val; replaces glutamic acid 2783 with valine.
Molecular consequence: missense variant.
Genome position (GRCh38, 1-based): chr19:38,505,346, A>T. VCF-style: chr19-38505346-A-T. GRCh37 (hg19) VCF-style: chr19-38995986-A-T.
Other names: c.8348A>T, p.Glu2783Val (NM_001042723.2); short protein forms E2783V.
Identifiers: ClinVar variation 590613 (VCV000590613.4), dbSNP rs766549814, ClinGen allele CA071878.

ClinVar aggregate classification (germline): Uncertain significance. Review status: criteria provided, multiple submitters, no conflicts (2 of 4 stars). 2 submissions from 2 submitters: Uncertain significance (2). Last evaluated 2024-06-11.

Conditions:
Malignant hyperthermia, susceptibility to, 1 (MHS1). Also called: Anesthesia related hyperthermia; Malignant hyperpyrexia; Fulminating hyperpyrexia; Pharmacogenic myopathy; RYR1-Related Malignant Hyperthermia Susceptibility; Malignant hyperthermia suceptibility 1. Identifiers: Orphanet 423, MedGen C2930980, MONDO:0007783, OMIM 145600.

Allele frequency attached by ClinVar (database versions not stated): gnomAD exomes below 0.00001; ExAC 0.00001.

Submissions (2):

All of Us Research Program, National Institutes of Health
Classification: Uncertain significance for Malignant hyperthermia, susceptibility to, 1. Last evaluated: 2024-06-11. Review status: criteria provided, single submitter. Criteria: ACMG Guidelines, 2015. Collection method: clinical testing. Allele origin: germline. Inheritance: Autosomal dominant inheritance. Observed: 7 variant alleles, 7 heterozygotes.
Comment: This missense variant replaces glutamic acid with valine at codon 2783 of the RYR1 protein. Computational prediction suggests that this variant may have deleterious impact on protein structure and function (internally defined REVEL score threshold >= 0.7, PMID: 27666373). To our knowledge, functional studies have not been reported for this variant. This variant has not been reported in individuals affected with RYR1-related disorders in the literature. This variant has been identified in 1/249466 chromosomes in the general population by the Genome Aggregation Database (gnomAD). The available evidence is insufficient to determine the role of this variant in disease conclusively. Therefore, this variant is classified as a Variant of Uncertain Significance.

This study involves interpretation of variants in research participants for the purpose of population health screening. Participant phenotype was not available at the time of variant classification. Additional details can be found in publication PMID: 35346344, PMCID: PMC8962531

PreventionGenetics, part of Exact Sciences
Classification: Uncertain significance. Last evaluated: 2015-09-23. Review status: criteria provided, single submitter. Criteria: ACMG Guidelines, 2015. Collection method: clinical testing. Allele origin: germline.